The following is an entry in ClinVar:

ClinVar aggregate classification (germline): Conflicting classifications of pathogenicity. Review status: criteria provided, conflicting classifications (1 of 4 stars). 2 submissions from 2 submitters: Uncertain significance (1); Likely benign (1). Last evaluated 2025-05-25.

Submissions (2):

Labcorp Genetics (formerly Invitae), Labcorp
Classification: Uncertain significance. Last evaluated: 2025-05-25. Review status: criteria provided, single submitter. Criteria: Invitae Variant Classification Sherloc (09022015). Collection method: clinical testing. Allele origin: germline.
Comment: This sequence change falls in intron 2 of the NR2F1 gene. It does not directly change the encoded amino acid sequence of the NR2F1 protein. This variant is present in population databases (rs770688600, gnomAD 0.02%). This variant has not been reported in the literature in individuals affected with NR2F1-related conditions. Experimental studies and prediction algorithms are not available or were not evaluated, and the effect of this variant on mRNA splicing is currently unknown. In summary, the available evidence is currently insufficient to determine the role of this variant in disease. Therefore, it has been classified as a Variant of Uncertain Significance.

Blueprint Genetics
Classification: Likely benign. Last evaluated: 2024-07-22. Review status: criteria provided, single submitter. Criteria: ACMG Guidelines, 2015. Collection method: clinical testing. Allele origin: germline.

NM_005654.6(NR2F1):c.991+8_991+29dup

Gene: NR2F1 (nuclear receptor subfamily 2 group F member 1; plus strand). Cytogenetic location: 5q15.
Variant type: Duplication.
Coding change: c.991+8_991+29dup on transcript NM_005654.6 (MANE Select); bases 8 to 29 of the intron after coding-DNA position 991, 22 bases duplicated (TGCGGTCGCGGGGAGGGCAGGC).
Molecular consequence: intron variant.
Genome position (GRCh38, 1-based): chr5:93,588,452-93,588,473, TGCGGTCGCGGGGAGGGCAGGC duplicated; duplicating any 22 consecutive bases within chr5:93,588,448-93,588,473 gives the same sequence; the c. name uses the placement nearest the transcript's 3' end. VCF-style (leftmost placement, unchanged base first): chr5-93588447-G-GAGGCTGCGGTCGCGGGGAGGGC. GRCh37 (hg19) VCF-style: chr5-92924153-G-GAGGCTGCGGTCGCGGGGAGGGC.
Other names: c.541+8_541+29dup (NM_001410754.1).
Identifiers: ClinVar variation 4696264 (VCV004696264.2).